The following is an entry in ClinVar:

ClinVar aggregate classification (germline): Uncertain significance. Review status: criteria provided, multiple submitters, no conflicts (2 of 4 stars). 2 submissions from 2 submitters: Uncertain significance (2). Last evaluated 2023-12-27.

Conditions:
Candidiasis, familial, 8 (CANDF8). Identifiers: Orphanet 1334, MedGen C3714992, MONDO:0014230, OMIM 615527.

Allele frequency attached by ClinVar (database versions not stated): gnomAD exomes below 0.00001 and 0.00001; gnomAD 0.00001; TOPMed 0.00002.
gnomAD v4.1: 5 of 1,614,106 alleles (0.00031%); highest among the groups gnomAD compares: Non-Finnish European, 0.00042%; no homozygotes.

Submissions (2):

Ambry Genetics
Classification: Uncertain significance. Last evaluated: 2023-12-27. Review status: criteria provided, single submitter. Criteria: Ambry Variant Classification Scheme 2023. Collection method: clinical testing. Allele origin: germline.

Labcorp Genetics (formerly Invitae), Labcorp
Classification: Uncertain significance for Candidiasis, familial, 8. Last evaluated: 2020-02-22. Review status: criteria provided, single submitter. Criteria: Invitae Variant Classification Sherloc (09022015). Collection method: clinical testing. Allele origin: germline.
Comment: This sequence change replaces glutamine with histidine at codon 18 of the TRAF3IP2 protein (p.Gln18His). The glutamine residue is moderately conserved and there is a small physicochemical difference between glutamine and histidine. This variant is not present in population databases (ExAC no frequency). This variant has not been reported in the literature in individuals with TRAF3IP2-related conditions. Algorithms developed to predict the effect of missense changes on protein structure and function output the following: SIFT: "Tolerated"; PolyPhen-2: "Benign"; Align-GVGD: "Class C0". The histidine amino acid residue is found in multiple mammalian species, suggesting that this missense change does not adversely affect protein function. These predictions have not been confirmed by published functional studies and their clinical significance is uncertain. In summary, the available evidence is currently insufficient to determine the role of this variant in disease. Therefore, it has been classified as a Variant of Uncertain Significance.

NM_147686.4(TRAF3IP2):c.54G>T (p.Gln18His)

Genes: TRAF3IP2 (TRAF3 interacting protein 2; minus strand), TRAF3IP2-AS1 (TRAF3IP2 antisense RNA 1; plus strand). Cytogenetic location: 6q21.
Variant type: single nucleotide variant.
Coding change: c.54G>T on transcript NM_147686.4 (MANE Select); coding-DNA position 54, G replaced by T.
Protein change: p.Gln18His; replaces glutamine 18 with histidine.
Molecular consequence: missense variant.
Genome position (GRCh38, 1-based): chr6:111,592,033, C>A on the plus strand (G>T on the coding strand, the complement: TRAF3IP2 is on the minus strand). VCF-style: chr6-111592033-C-A. GRCh37 (hg19) VCF-style: chr6-111913236-C-A.
Other names: c.54G>T, p.Gln18His (NM_001164281.3); c.81G>T, p.Gln27His (NM_147200.3); c.54G>T (NM_147686.2); short protein forms Q18H, Q27H.
Identifiers: ClinVar variation 953408 (VCV000953408.10), dbSNP rs901070290, ClinGen allele CA365370320.